The following is an entry in ClinVar:

ClinVar aggregate classification (germline): Uncertain significance (1 of 4 stars; one submission).

Allele frequency attached by ClinVar (database versions not stated): gnomAD exomes below 0.00001.
gnomAD v4.1: 2 of 1,614,184 alleles (0.00012%); highest among the groups gnomAD compares: Non-Finnish European, 0.00017%; no homozygotes.

Submission:

Labcorp Genetics (formerly Invitae), Labcorp
Classification: Uncertain significance. Last evaluated: 2024-05-07. Review status: criteria provided, single submitter. Criteria: Invitae Variant Classification Sherloc (09022015). Collection method: clinical testing. Allele origin: germline.
Comment: This sequence change replaces arginine, which is basic and polar, with glycine, which is neutral and non-polar, at codon 611 of the TMPRSS15 protein (p.Arg611Gly). This variant is not present in population databases (gnomAD no frequency). This variant has not been reported in the literature in individuals affected with TMPRSS15-related conditions. An algorithm developed to predict the effect of missense changes on protein structure and function (PolyPhen-2) suggests that this variant is likely to be tolerated. In summary, the available evidence is currently insufficient to determine the role of this variant in disease. Therefore, it has been classified as a Variant of Uncertain Significance.

NM_002772.3(TMPRSS15):c.1831A>G (p.Arg611Gly)

Gene: TMPRSS15 (transmembrane serine protease 15; minus strand). Cytogenetic location: 21q21.1.
Variant type: single nucleotide variant.
Coding change: c.1831A>G on transcript NM_002772.3 (MANE Select); coding-DNA position 1831, A replaced by G.
Protein change: p.Arg611Gly; replaces arginine 611 with glycine.
Molecular consequence: missense variant.
Genome position (GRCh38, 1-based): chr21:18,326,522, T>C on the plus strand (A>G on the coding strand, the complement: TMPRSS15 is on the minus strand). VCF-style: chr21-18326522-T-C. GRCh37 (hg19) VCF-style: chr21-19698839-T-C.
Other names: short protein forms R611G.
Identifiers: ClinVar variation 2779395 (VCV002779395.3), dbSNP rs942549836, ClinGen allele CA318115922.